The following is an entry in ClinVar:

ClinVar aggregate classification (germline): Likely benign. Review status: criteria provided, multiple submitters, no conflicts (2 of 4 stars). 3 submissions from 3 submitters: Likely benign (2). 1 of the submissions does not count toward it. Last evaluated 2025-11-15.

Conditions:
KMT2D-related disorder. Also called: KMT2D-Related Disorders.
Kabuki syndrome. Also called: NIIKAWA-KUROKI SYNDROME; Kabuki make-up syndrome. Identifiers: Orphanet 2322, MedGen C0796004, MONDO:0016512.

Allele frequency attached by ClinVar (database versions not stated): ExAC 0.00002; TOPMed 0.00003; gnomAD 0.00008 and 0.00009.
gnomAD v4.1: 32 of 1,613,368 alleles (0.002%); highest among the groups gnomAD compares: Admixed American, 0.02%; 1 homozygote.

Submissions (3):

Labcorp Genetics (formerly Invitae), Labcorp
Classification: Likely benign for Kabuki syndrome. Last evaluated: 2025-11-15. Review status: criteria provided, single submitter. Criteria: Invitae Variant Classification Sherloc (09022015). Collection method: clinical testing. Allele origin: germline.

Blueprint Genetics
Classification: Likely benign. Last evaluated: 2024-11-06. Review status: criteria provided, single submitter. Criteria: ACMG Guidelines, 2015. Collection method: clinical testing. Allele origin: germline.

PreventionGenetics, part of Exact Sciences
Classification: Likely benign for KMT2D-related condition. Last evaluated: 2024-01-23. Review status: no assertion criteria provided. Collection method: clinical testing. Allele origin: germline. Not counted in ClinVar's aggregate classification.
Comment: This variant is classified as likely benign based on ACMG/AMP sequence variant interpretation guidelines (Richards et al. 2015 PMID: 25741868, with internal and published modifications).

NM_003482.4(KMT2D):c.10599T>C (p.Gly3533=)

Gene: KMT2D (lysine methyltransferase 2D; minus strand). Cytogenetic location: 12q13.12.
Variant type: single nucleotide variant.
Coding change: c.10599T>C on transcript NM_003482.4 (MANE Select); coding-DNA position 10599, T replaced by C.
Protein change: p.Gly3533=; no amino-acid change (glycine 3533 retained).
Molecular consequence: synonymous variant.
Genome position (GRCh38, 1-based): chr12:49,034,208, A>G on the plus strand (T>C on the coding strand, the complement: KMT2D is on the minus strand). VCF-style: chr12-49034208-A-G. GRCh37 (hg19) VCF-style: chr12-49427991-A-G.
Identifiers: ClinVar variation 531893 (VCV000531893.13), dbSNP rs751946037, ClinGen allele CA6546462.